The following is an entry in ClinVar:

NM_001111067.4(ACVR1):c.248C>A (p.Thr83Asn)

Gene: ACVR1 (activin A receptor type 1; minus strand). Cytogenetic location: 2q24.1.
Variant type: single nucleotide variant.
Coding change: c.248C>A on transcript NM_001111067.4 (MANE Select); coding-DNA position 248, C replaced by A.
Protein change: p.Thr83Asn; replaces threonine 83 with asparagine.
Molecular consequence: missense variant.
Genome position (GRCh38, 1-based): chr2:157,780,420, G>T on the plus strand (C>A on the coding strand, the complement: ACVR1 is on the minus strand). VCF-style: chr2-157780420-G-T. GRCh37 (hg19) VCF-style: chr2-158636932-G-T.
Other names: c.248C>A (NM_001105.4); c.248C>A, p.Thr83Asn (NM_001105.5, NM_001347663.1, NM_001347664.1 and 3 more transcripts); short protein forms T83N.
Identifiers: ClinVar variation 2974846 (VCV002974846.4), dbSNP rs2467967165, ClinGen allele CA349193622.

ClinVar aggregate classification (germline): Uncertain significance. Review status: criteria provided, multiple submitters, no conflicts (2 of 4 stars). 2 submissions from 2 submitters: Uncertain significance (2). Last evaluated 2025-11-30.

Conditions:
Inborn genetic diseases. Identifiers: MedGen C0950123, MeSH D030342.

Allele frequency attached by ClinVar (database versions not stated): gnomAD exomes below 0.00001.
gnomAD v4.1: 3 of 1,614,170 alleles (0.00019%); highest among the groups gnomAD compares: Admixed American, 0.005%; no homozygotes.

Submissions (2):

Labcorp Genetics (formerly Invitae), Labcorp
Classification: Uncertain significance. Last evaluated: 2025-11-30. Review status: criteria provided, single submitter. Criteria: Invitae Variant Classification Sherloc (09022015). Collection method: clinical testing. Allele origin: germline.
Comment: This sequence change replaces threonine, which is neutral and polar, with asparagine, which is neutral and polar, at codon 83 of the ACVR1 protein (p.Thr83Asn). This variant is not present in population databases (gnomAD no frequency). This variant has not been reported in the literature in individuals affected with ACVR1-related conditions. ClinVar contains an entry for this variant (Variation ID: 2974846). An algorithm developed to predict the effect of missense changes on protein structure and function (PolyPhen-2) suggests that this variant is likely to be disruptive. In summary, the available evidence is currently insufficient to determine the role of this variant in disease. Therefore, it has been classified as a Variant of Uncertain Significance.

Ambry Genetics
Classification: Uncertain significance for Inborn genetic diseases. Last evaluated: 2025-09-26. Review status: criteria provided, single submitter. Criteria: Ambry Variant Classification Scheme 2023. Collection method: clinical testing. Allele origin: germline.